The following is an entry in ClinVar:

NM_001170700.3(DTHD1):c.2343T>A (p.His781Gln)

Gene: DTHD1 (death domain containing 1; plus strand). Cytogenetic location: 4p14.
Variant type: single nucleotide variant.
Coding change: c.2343T>A on transcript NM_001170700.3 (MANE Select); coding-DNA position 2343, T replaced by A.
Protein change: p.His781Gln; replaces histidine 781 with glutamine.
Molecular consequence: missense variant. On other transcripts: non-coding transcript variant (1), intron variant (1).
Genome position (GRCh38, 1-based): chr4:36,339,114, T>A. VCF-style: chr4-36339114-T-A. GRCh37 (hg19) VCF-style: chr4-36340736-T-A.
Other names: c.1473T>A, p.His491Gln (NM_001136536.5); c.1408-4388T>A (NM_001378435.1); short protein forms H491Q, H781Q.
Identifiers: ClinVar variation 1046462 (VCV001046462.8), dbSNP rs1759170778, ClinGen allele CA356681870.

ClinVar aggregate classification (germline): Uncertain significance (1 of 4 stars; one submission).

Submission:

Labcorp Genetics (formerly Invitae), Labcorp
Classification: Uncertain significance. Last evaluated: 2025-07-03. Review status: criteria provided, single submitter. Criteria: Invitae Variant Classification Sherloc (09022015). Collection method: clinical testing. Allele origin: germline.
Comment: This sequence change replaces histidine, which is basic and polar, with glutamine, which is neutral and polar, at codon 491 of the DTHD1 protein (p.His491Gln). This variant is not present in population databases (gnomAD no frequency). This variant has not been reported in the literature in individuals affected with DTHD1-related conditions. ClinVar contains an entry for this variant (Variation ID: 1046462). An algorithm developed to predict the effect of missense changes on protein structure and function (PolyPhen-2) suggests that this variant is likely to be disruptive. In summary, the available evidence is currently insufficient to determine the role of this variant in disease. Therefore, it has been classified as a Variant of Uncertain Significance.